The following is an entry in ClinVar:

ClinVar aggregate classification (germline): Uncertain significance (1 of 4 stars; one submission).

Conditions:
Fanconi anemia (FA). Also called: Fanconi's anemia. Identifiers: Orphanet 84, MedGen C0015625, MeSH D005199, MONDO:0019391.

Allele frequency attached by ClinVar (database versions not stated): gnomAD exomes below 0.00001 and 0.00001; ExAC 0.00001; gnomAD 0.00001; TOPMed 0.00001.

Submission:

Labcorp Genetics (formerly Invitae), Labcorp
Classification: Uncertain significance for Fanconi anemia. Last evaluated: 2021-07-06. Review status: criteria provided, single submitter. Criteria: Invitae Variant Classification Sherloc (09022015). Collection method: clinical testing. Allele origin: germline.
Comment: This sequence change replaces arginine with histidine at codon 387 of the FANCB protein (p.Arg387His). The arginine residue is weakly conserved and there is a small physicochemical difference between arginine and histidine. This variant is present in population databases (rs757202355, ExAC 0.01%). This variant has not been reported in the literature in individuals with FANCB-related conditions. Algorithms developed to predict the effect of missense changes on protein structure and function (SIFT, PolyPhen-2, Align-GVGD) all suggest that this variant is likely to be tolerated, but these predictions have not been confirmed by published functional studies and their clinical significance is uncertain. In summary, the available evidence is currently insufficient to determine the role of this variant in disease. Therefore, it has been classified as a Variant of Uncertain Significance.

NM_001018113.3(FANCB):c.1160G>A (p.Arg387His)

Gene: FANCB (FA complementation group B; minus strand). Cytogenetic location: Xp22.2.
Variant type: single nucleotide variant.
Coding change: c.1160G>A on transcript NM_001018113.3 (MANE Select); coding-DNA position 1160, G replaced by A.
Protein change: p.Arg387His; replaces arginine 387 with histidine.
Molecular consequence: missense variant.
Genome position (GRCh38, 1-based): chrX:14,857,899, C>T on the plus strand (G>A on the coding strand, the complement: FANCB is on the minus strand). VCF-style: chrX-14857899-C-T. GRCh37 (hg19) VCF-style: chrX-14876021-C-T.
Other names: c.1160G>A, p.Arg387His (NM_001324162.2, NM_152633.4); short protein forms R387H.
Identifiers: ClinVar variation 1403860 (VCV001403860.8), dbSNP rs757202355, ClinGen allele CA10353109.